The following is an entry in ClinVar:

NM_001004711.2(OR4D9):c.761G>C (p.Cys254Ser)

Gene: OR4D9 (olfactory receptor family 4 subfamily D member 9; plus strand). Cytogenetic location: 11q12.1.
Variant type: single nucleotide variant.
Coding change: c.761G>C on transcript NM_001004711.2 (MANE Select); coding-DNA position 761, G replaced by C.
Protein change: p.Cys254Ser; replaces cysteine 254 with serine.
Molecular consequence: missense variant.
Genome position (GRCh38, 1-based): chr11:59,515,673, G>C. VCF-style: chr11-59515673-G-C. GRCh37 (hg19) VCF-style: chr11-59283146-G-C.
Other names: short protein forms C254S.
Identifiers: ClinVar variation 2641813 (VCV002641813.24), dbSNP rs139978630, ClinGen allele CA6019339.

ClinVar aggregate classification (germline): Likely benign (1 of 4 stars; one submission).

Allele frequency attached by ClinVar (database versions not stated): 1000 Genomes Project 30x 0.00219; 1000 Genomes Project 0.00220; ExAC 0.00460; gnomAD 0.00483; TOPMed 0.00488; ESP Exome Variant Server 0.00693.
gnomAD v4.1: 12,487 of 1,614,090 alleles (0.77%); highest among the groups gnomAD compares: Non-Finnish European, 0.97%; 84 homozygotes.

Submission:

CeGaT Center for Human Genetics Tuebingen
Classification: Likely benign. Last evaluated: 2023-02-01. Review status: criteria provided, single submitter. Criteria: CeGaT Center For Human Genetics Tuebingen Variant Classification Criteria Version 2. Collection method: clinical testing. Allele origin: germline. Affected: yes. Observed: 1 variant allele.
Comment: OR4D9: BP4, BS2